The following is an entry in ClinVar:

NM_201384.3(PLEC):c.4897C>T (p.Arg1633Cys)

Gene: PLEC (plectin; minus strand). Cytogenetic location: 8q24.3.
Variant type: single nucleotide variant.
Coding change: c.4897C>T on transcript NM_201384.3 (MANE Select); coding-DNA position 4897, C replaced by T.
Protein change: p.Arg1633Cys; replaces arginine 1633 with cysteine.
Molecular consequence: missense variant.
Genome position (GRCh38, 1-based): chr8:143,925,032, G>A on the plus strand (C>T on the coding strand, the complement: PLEC is on the minus strand). VCF-style: chr8-143925032-G-A. GRCh37 (hg19) VCF-style: chr8-144999200-G-A.
Other names: c.4978C>T, p.Arg1660Cys (NM_000445.5); c.4855C>T, p.Arg1619Cys (NM_201378.4); c.4831C>T, p.Arg1611Cys (NM_201379.3); c.5308C>T, p.Arg1770Cys (NM_201380.4); c.4801C>T, p.Arg1601Cys (NM_201381.3); c.4897C>T, p.Arg1633Cys (NM_201382.4); c.4909C>T, p.Arg1637Cys (NM_201383.3); short protein forms R1619C, R1770C, R1633C, R1601C, R1611C, R1637C, R1660C.
Identifiers: ClinVar variation 592753 (VCV000592753.16), dbSNP rs782816453, ClinGen allele CA4926506.
Genomic context (GRCh38, chr8:143,925,032, plus strand): 5'-GCGCCACCTCCTCCGCCTGCAGCCGCAGCCGTAGCGCCTCGTTGGCCTTGAGCTGCCAGC[G>A]CTCCAGCTCCCGCTCTGCCTCCTCGCGCGCCCGCTCGGCCTCGGCCTGCTGCTGTGCCCG-3'
Protein context (NP_958786.1, residues 1623-1643): AREEAERELE[Arg1633Cys]WQLKANEALR

ClinVar aggregate classification (germline): Uncertain significance. Review status: criteria provided, multiple submitters, no conflicts (2 of 4 stars). 4 submissions from 4 submitters: Uncertain significance (4). Last evaluated 2026-01-13.

Conditions:
Epidermolysis bullosa simplex 5B, with muscular dystrophy (EBS5B). Also called: Epidermolysis bullosa simplex with muscular dystrophy; EPIDERMOLYSIS BULLOSA SIMPLEX AND LIMB-GIRDLE MUSCULAR DYSTROPHY. Identifiers: Orphanet 257, MedGen C2931072, MONDO:0009181, OMIM 226670.
Epidermolysis bullosa simplex, Ogna type (EBS5A). Also called: Pidermolysis bullosa simplex 5A, Ogna type; EPIDERMOLYSIS BULLOSA SIMPLEX 5A, OGNA TYPE. Identifiers: Orphanet 79401, MedGen C0432317, MONDO:0007555, OMIM 131950.
Epidermolysis bullosa simplex with nail dystrophy (EBS5D). Identifiers: MedGen C4225309, MONDO:0014661, OMIM 616487.
Autosomal recessive limb-girdle muscular dystrophy type 2Q (LGMDR17). Also called: MUSCULAR DYSTROPHY, LIMB-GIRDLE, AUTOSOMAL RECESSIVE 17. Identifiers: Orphanet 254361, MedGen C3150989, MONDO:0013390, OMIM 613723.
Epidermolysis bullosa simplex 5C, with pyloric atresia (EBS5C). Also called: PLEC-Related Epidermolysis Bullosa with Pyloric Atresia; Epidermolysis bullosa simplex with pyloric atresia; PLEC1-Related Epidermolysis Bullosa with Pyloric Atresia. Identifiers: Orphanet 158684, MedGen C2677349, MONDO:0012807, OMIM 612138.

Allele frequency attached by ClinVar (database versions not stated): ExAC below 0.00001; TOPMed 0.00007.
gnomAD v4.1: 26 of 1,561,930 alleles (0.0017%); highest among the groups gnomAD compares: East Asian, 0.0023%; no homozygotes.

Submissions (4):

Labcorp Genetics (formerly Invitae), Labcorp
Classification: Uncertain significance for Autosomal recessive limb-girdle muscular dystrophy type 2Q; Epidermolysis bullosa simplex, Ogna type; Epidermolysis bullosa simplex with nail dystrophy; Epidermolysis bullosa simplex 5C, with pyloric atresia; Epidermolysis bullosa simplex 5B, with muscular dystrophy. Last evaluated: 2026-01-13. Review status: criteria provided, single submitter. Criteria: Invitae Variant Classification Sherloc (09022015). Collection method: clinical testing. Allele origin: germline.
Comment: This sequence change replaces arginine, which is basic and polar, with cysteine, which is neutral and slightly polar, at codon 1660 of the PLEC protein (p.Arg1660Cys). The frequency data for this variant in the population databases is considered unreliable, as metrics indicate poor data quality at this position in the gnomAD database. This variant has not been reported in the literature in individuals affected with PLEC-related conditions. ClinVar contains an entry for this variant (Variation ID: 592753). Invitae Evidence Modeling of protein sequence and biophysical properties (such as structural, functional, and spatial information, amino acid conservation, physicochemical variation, residue mobility, and thermodynamic stability) indicates that this missense variant is not expected to disrupt PLEC protein function with a negative predictive value of 80%. In summary, the available evidence is currently insufficient to determine the role of this variant in disease. Therefore, it has been classified as a Variant of Uncertain Significance.

Revvity Omics, Revvity
Classification: Uncertain significance. Last evaluated: 2021-09-17. Review status: criteria provided, single submitter. Criteria: ACMG Guidelines, 2015. Collection method: clinical testing. Allele origin: germline.

Eurofins Ntd Llc (ga)
Classification: Uncertain significance. Last evaluated: 2018-01-22. Review status: criteria provided, single submitter. Criteria: EGL Classification Definitions 2015. Collection method: clinical testing. Allele origin: germline. Observed: 3 variant alleles, 3 heterozygotes.

Breakthrough Genomics
Classification: Uncertain significance. Review status: criteria provided, single submitter. Criteria: ACMG Guidelines, 2015. Collection method: not provided. Allele origin: germline. Inheritance: Autosomal recessive inheritance. Affected: yes.